The following is an entry in ClinVar:

NM_006265.3(RAD21):c.1576G>C (p.Glu526Gln)

Gene: RAD21 (RAD21 cohesin complex component; minus strand). Cytogenetic location: 8q24.11.
Variant type: single nucleotide variant.
Coding change: c.1576G>C on transcript NM_006265.3 (MANE Select); coding-DNA position 1576, G replaced by C.
Protein change: p.Glu526Gln; replaces glutamic acid 526 with glutamine.
Molecular consequence: missense variant.
Genome position (GRCh38, 1-based): chr8:116,850,662, C>G on the plus strand (G>C on the coding strand, the complement: RAD21 is on the minus strand). VCF-style: chr8-116850662-C-G. GRCh37 (hg19) VCF-style: chr8-117862901-C-G.
Other names: short protein forms E526Q.
Identifiers: ClinVar variation 473192 (VCV000473192.12), dbSNP rs373026310, ClinGen allele CA4852775.

ClinVar aggregate classification (germline): Uncertain significance. Review status: criteria provided, multiple submitters, no conflicts (2 of 4 stars). 2 submissions from 2 submitters: Uncertain significance (2). Last evaluated 2025-03-30.

Conditions:
Inborn genetic diseases. Identifiers: MedGen C0950123, MeSH D030342.
Cornelia de Lange syndrome 4 (CDLS4). Also called: CORNELIA DE LANGE SYNDROME 4 WITH OR WITHOUT MIDLINE BRAIN DEFECTS; RAD21-Related Cornelia de Lange Syndrome. Identifiers: Orphanet 199, MedGen C3553517, MONDO:0013864, OMIM 614701.

Allele frequency attached by ClinVar (database versions not stated): gnomAD exomes below 0.00001 and 0.00002; ExAC 0.00002; gnomAD 0.00002; TOPMed 0.00002.
gnomAD v4.1: 19 of 1,611,440 alleles (0.0012%); highest among the groups gnomAD compares: East Asian, 0.018%; no homozygotes.

Submissions (2):

Labcorp Genetics (formerly Invitae), Labcorp
Classification: Uncertain significance for Cornelia de Lange syndrome 4. Last evaluated: 2025-03-30. Review status: criteria provided, single submitter. Criteria: Invitae Variant Classification Sherloc (09022015). Collection method: clinical testing. Allele origin: germline.
Comment: This sequence change replaces glutamic acid, which is acidic and polar, with glutamine, which is neutral and polar, at codon 526 of the RAD21 protein (p.Glu526Gln). This variant is present in population databases (rs373026310, gnomAD 0.03%). This missense change has been observed in individual(s) with non-syndromic orofacial clefting (PMID: 37350193). ClinVar contains an entry for this variant (Variation ID: 473192). Invitae Evidence Modeling of protein sequence and biophysical properties (such as structural, functional, and spatial information, amino acid conservation, physicochemical variation, residue mobility, and thermodynamic stability) indicates that this missense variant is not expected to disrupt RAD21 protein function with a negative predictive value of 95%. In summary, the available evidence is currently insufficient to determine the role of this variant in disease. Therefore, it has been classified as a Variant of Uncertain Significance.

Ambry Genetics
Classification: Uncertain significance for Inborn genetic diseases. Last evaluated: 2014-11-01. Review status: criteria provided, single submitter. Criteria: Ambry exome assertion method (8-5-2015). Collection method: clinical testing. Allele origin: germline. Affected: yes. Observed: 1 variant allele.

Literature cited by the submitters: PubMed 37350193 (cited by Labcorp Genetics (formerly Invitae), Labcorp).